The following is an entry in ClinVar:

NM_000238.4(KCNH2):c.2746G>A (p.Gly916Arg)

Gene: KCNH2 (potassium voltage-gated channel subfamily H member 2; minus strand). Cytogenetic location: 7q36.1.
Variant type: single nucleotide variant.
Coding change: c.2746G>A on transcript NM_000238.4 (MANE Select); coding-DNA position 2746, G replaced by A.
Protein change: p.Gly916Arg; replaces glycine 916 with arginine.
Molecular consequence: missense variant.
Genome position (GRCh38, 1-based): chr7:150,947,825, C>T on the plus strand (G>A on the coding strand, the complement: KCNH2 is on the minus strand). VCF-style: chr7-150947825-C-T. GRCh37 (hg19) VCF-style: chr7-150644913-C-T.
Other names: c.1726G>A, p.Gly576Arg (NM_172057.3); short protein forms G916R, G576R.
Identifiers: ClinVar variation 924836 (VCV000924836.6), dbSNP rs1800972199, ClinGen allele CA369853475.
Genomic context (GRCh38, chr7:150,947,825, plus strand): 5'-AGGGGCCACTGGACGGGCTCTCCCCCCACGGCCCCCCCGGCCGGCCCCGGCTACTCGGCC[C>T]TGCCCCCGCCCGGCCCGGCCCCAAGGCCGACACCTCCCCTGGCTGCTCCGTGTCTGTGGG-3'
Protein context (NP_000229.1, residues 906-926): SALGPGRAGA[Gly916Arg]PSSRGRPGGP

ClinVar aggregate classification (germline): Uncertain significance (1 of 4 stars; one submission).

Conditions:
Cardiac arrhythmia. Also called: Cardiac rhythm disease; Arrhythmia. Identifiers: MedGen C0003811, MONDO:0007263, HP:0011675.

Submission:

Color Diagnostics, LLC DBA Color Health
Classification: Uncertain significance for Cardiac arrhythmia. Last evaluated: 2024-03-06. Review status: criteria provided, single submitter. Criteria: ACMG Guidelines, 2015. Collection method: clinical testing. Allele origin: germline.
Comment: This missense variant replaces glycine with arginine at codon 916 of the KCNH2 protein. Computational prediction is inconclusive regarding the impact of this variant on protein structure and function (internally defined REVEL score threshold 0.5 < inconclusive < 0.7, PMID: 27666373). Splice site prediction tools suggest that this variant may not impact RNA splicing. To our knowledge, functional studies have not been performed for this variant. This variant has not been reported in individuals affected with cardiovascular disorders in the literature. This variant has not been identified in the general population by the Genome Aggregation Database (gnomAD). The available evidence is insufficient to determine the role of this variant in disease conclusively. Therefore, this variant is classified as a Variant of Uncertain Significance.